The following is an entry in ClinVar:

ClinVar aggregate classification (germline): Uncertain significance (1 of 4 stars; one submission).

gnomAD v4.1: 1 of 1,606,156 alleles (0.000062%); highest among the groups gnomAD compares: African/African-American, 0.0013%; no homozygotes.

Submission:

GeneDx
Classification: Uncertain significance. Last evaluated: 2025-06-07. Review status: criteria provided, single submitter. Criteria: GeneDx Variant Classification Process June 2021. Collection method: clinical testing. Allele origin: germline. Affected: yes.
Comment: Not observed at significant frequency in large population cohorts (gnomAD); In silico analysis supports that this missense variant has a deleterious effect on protein structure/function; Has not been previously published as pathogenic or benign to our knowledge

NM_000020.3(ACVRL1):c.245C>A (p.Thr82Asn)

Gene: ACVRL1 (activin A receptor like type 1; plus strand). Cytogenetic location: 12q13.13.
Variant type: single nucleotide variant.
Coding change: c.245C>A on transcript NM_000020.3 (MANE Select); coding-DNA position 245, C replaced by A.
Protein change: p.Thr82Asn; replaces threonine 82 with asparagine.
Molecular consequence: missense variant. On other transcripts: intron variant (1).
Genome position (GRCh38, 1-based): chr12:51,913,282, C>A. VCF-style: chr12-51913282-C-A. GRCh37 (hg19) VCF-style: chr12-52307066-C-A.
Other names: c.245C>A, p.Thr82Asn (NM_001077401.2, NM_001406487.1, NM_001406488.1 and 6 more transcripts); c.61+747C>A (NM_001406495.1); short protein forms T82N.
Identifiers: ClinVar variation 4536433 (VCV004536433.1).